The following is an entry in ClinVar:

ClinVar aggregate classification (germline): Uncertain significance (1 of 4 stars; one submission).

Conditions:
Familial cancer of breast. Also called: BREAST CANCER, FAMILIAL; Hereditary breast cancer; hereditary breast carcinoma. Identifiers: Orphanet 227535, MedGen C0346153, MONDO:0016419, OMIM 114480. Disease mechanism: loss of function.

Submission:

Labcorp Genetics (formerly Invitae), Labcorp
Classification: Uncertain significance for Familial cancer of breast. Last evaluated: 2016-10-30. Review status: criteria provided, single submitter. Criteria: Invitae Variant Classification Sherloc (09022015). Collection method: clinical testing. Allele origin: germline.
Comment: This sequence change replaces glutamine with lysine at codon 51 of the CHEK2 protein (p.Gln51Lys). The glutamine residue is moderately conserved and there is a small physicochemical difference between glutamine and lysine. This variant is not present in population databases (ExAC no frequency) and has not been reported in the literature in individuals with a CHEK2-related disease. Algorithms developed to predict the effect of missense changes on protein structure and function do not agree on the potential impact of this missense change (SIFT: "Deleterious"; PolyPhen-2: "Possibly Damaging"; Align-GVGD: "Class C0"). In summary, this variant is a novel missense change with uncertain impact on protein function. It has been classified as a Variant of Uncertain Significance.

NM_007194.4(CHEK2):c.151C>A (p.Gln51Lys)

Gene: CHEK2 (checkpoint kinase 2; minus strand). Cytogenetic location: 22q12.1.
Variant type: single nucleotide variant.
Coding change: c.151C>A on transcript NM_007194.4 (MANE Select); coding-DNA position 151, C replaced by A.
Protein change: p.Gln51Lys; replaces glutamine 51 with lysine.
Molecular consequence: missense variant.
Genome position (GRCh38, 1-based): chr22:28,734,571, G>T on the plus strand (C>A on the coding strand, the complement: CHEK2 is on the minus strand). VCF-style: chr22-28734571-G-T. GRCh37 (hg19) VCF-style: chr22-29130559-G-T.
Other names: c.-627C>A (NM_001257387.3); c.151C>A, p.Gln51Lys (NM_001005735.3, NM_001349956.3, NM_145862.3); short protein forms Q51K.
Identifiers: ClinVar variation 410052 (VCV000410052.9), dbSNP rs587781592, ClinGen allele CA16616576.